The following is an entry in ClinVar:

ClinVar aggregate classification (germline): Likely benign (0 of 4 stars; one submission).

Conditions:
SLC7A9-related disorder. Also called: SLC7A9-related condition.

Submission:

PreventionGenetics, part of Exact Sciences
Classification: Likely benign for SLC7A9-related condition. Last evaluated: 2021-01-20. Review status: no assertion criteria provided. Collection method: clinical testing. Allele origin: germline.
Comment: This variant is classified as likely benign based on ACMG/AMP sequence variant interpretation guidelines (Richards et al. 2015 PMID: 25741868, with internal and published modifications).

NM_014270.5(SLC7A9):c.1075-11_1075-9del

Gene: SLC7A9 (solute carrier family 7 member 9; minus strand). Cytogenetic location: 19q13.11.
Variant type: Microsatellite.
Coding change: c.1075-11_1075-9del on transcript NM_014270.5 (MANE Select); 11 bases into the intron before coding-DNA position 1075 through 9 bases into the intron before coding-DNA position 1075, 3 bases deleted (CTT; older notation c.1075-11_1075-9delCTT).
Molecular consequence: intron variant.
Genome position (GRCh38, 1-based): chr19:32,842,326-32,842,328, AAG deleted on the plus strand (CTT on the coding strand, the reverse complement: SLC7A9 is on the minus strand); deleting any 3 consecutive bases within chr19:32,842,326-32,842,333 gives the same sequence; the c. name uses the placement nearest the transcript's 3' end. VCF-style (leftmost placement, unchanged base first): chr19-32842325-AAAG-A. GRCh37 (hg19) VCF-style: chr19-33333231-AAAG-A.
Other names: c.1075-11_1075-9del (NM_001126335.2, NM_001243036.2).
Identifiers: ClinVar variation 3031354 (VCV003031354.2), dbSNP rs2513557126, ClinGen allele CA2584279019.